The following is an entry in ClinVar:

NM_001184.4(ATR):c.3173A>G (p.Asn1058Ser)

Gene: ATR (ATR checkpoint kinase; minus strand). Cytogenetic location: 3q23.
Variant type: single nucleotide variant.
Coding change: c.3173A>G on transcript NM_001184.4 (MANE Select); coding-DNA position 3173, A replaced by G.
Protein change: p.Asn1058Ser; replaces asparagine 1058 with serine.
Molecular consequence: missense variant.
Genome position (GRCh38, 1-based): chr3:142,547,909, T>C on the plus strand (A>G on the coding strand, the complement: ATR is on the minus strand). VCF-style: chr3-142547909-T-C. GRCh37 (hg19) VCF-style: chr3-142266751-T-C.
Other names: c.2981A>G, p.Asn994Ser (NM_001354579.2); short protein forms N1058S, N994S.
Identifiers: ClinVar variation 3221112 (VCV003221112.1), dbSNP rs2108451953, ClinGen allele CA354811035.

ClinVar aggregate classification (germline): Uncertain significance (1 of 4 stars; one submission).

Conditions:
Inborn genetic diseases. Identifiers: MedGen C0950123, MeSH D030342.

Allele frequency attached by ClinVar (database versions not stated): gnomAD exomes below 0.00001.
gnomAD v4.1: 1 of 1,613,908 alleles (0.000062%); highest among the groups gnomAD compares: Non-Finnish European, 0.000085%; no homozygotes.

Submission:

Ambry Genetics
Classification: Uncertain significance for Inborn genetic diseases. Last evaluated: 2024-01-14. Review status: criteria provided, single submitter. Criteria: Ambry Variant Classification Scheme 2023. Collection method: clinical testing. Allele origin: germline.
Comment: The p.N1058S variant (also known as c.3173A>G), located in coding exon 16 of the ATR gene, results from an A to G substitution at nucleotide position 3173. The asparagine at codon 1058 is replaced by serine, an amino acid with highly similar properties. This amino acid position is conserved. In addition, this alteration is predicted to be tolerated by in silico analysis. Since supporting evidence is limited at this time, the clinical significance of this alteration remains unclear.